The following is an entry in ClinVar:

NM_001142800.2(EYS):c.3419G>A (p.Gly1140Glu)

Gene: EYS (EGF-like photoreceptor maintenance factor; minus strand). Cytogenetic location: 6q12.
Variant type: single nucleotide variant.
Coding change: c.3419G>A on transcript NM_001142800.2 (MANE Select); coding-DNA position 3419, G replaced by A.
Protein change: p.Gly1140Glu; replaces glycine 1140 with glutamic acid.
Molecular consequence: missense variant.
Genome position (GRCh38, 1-based): chr6:64,813,402, C>T on the plus strand (G>A on the coding strand, the complement: EYS is on the minus strand). VCF-style: chr6-64813402-C-T. GRCh37 (hg19) VCF-style: chr6-65523295-C-T.
Other names: c.3419G>A, p.Gly1140Glu (NM_001292009.2); short protein forms G1140E.
Identifiers: ClinVar variation 840131 (VCV000840131.7), dbSNP rs995707027, ClinGen allele CA140368127.
Genomic context (GRCh38, chr6:64,813,402, plus strand): 5'-ATATATTTACTTACTTGTGGGTAAATAAATACTGACCTGCAGTCAAAAGTATGTCCAGGC[C>T]CATCAACACAGATCCCTCCATTAAGACAGATGACTGAATTAAGTTCAGGCTCAGCACAAT-3'
Protein context (NP_001136272.1, residues 1130-1150): ICLNGGICVD[Gly1140Glu]PGHTFDCRCL

ClinVar aggregate classification (germline): Uncertain significance. Review status: criteria provided, multiple submitters, no conflicts (2 of 4 stars). 4 submissions from 4 submitters: Uncertain significance (3). 1 of the submissions does not count toward it. Last evaluated 2024-11-11.

Conditions:
Retinitis pigmentosa 25 (RP25). Identifiers: Orphanet 791, MedGen C1864446, MONDO:0011272, OMIM 602772.
Inborn genetic diseases. Identifiers: MedGen C0950123, MeSH D030342.

Allele frequency attached by ClinVar (database versions not stated): TOPMed 0.00001; gnomAD exomes 0.00003 and 0.00004.
gnomAD v4.1: 62 of 1,546,580 alleles (0.004%); highest among the groups gnomAD compares: Non-Finnish European, 0.0053%; no homozygotes.

Submissions (4):

Labcorp Genetics (formerly Invitae), Labcorp
Classification: Uncertain significance. Last evaluated: 2024-11-11. Review status: criteria provided, single submitter. Criteria: Invitae Variant Classification Sherloc (09022015). Collection method: clinical testing. Allele origin: germline.
Comment: This sequence change replaces glycine, which is neutral and non-polar, with glutamic acid, which is acidic and polar, at codon 1140 of the EYS protein (p.Gly1140Glu). This variant is present in population databases (no rsID available, gnomAD 0.007%). This variant has not been reported in the literature in individuals affected with EYS-related conditions. ClinVar contains an entry for this variant (Variation ID: 840131). Invitae Evidence Modeling of protein sequence and biophysical properties (such as structural, functional, and spatial information, amino acid conservation, physicochemical variation, residue mobility, and thermodynamic stability) indicates that this missense variant is not expected to disrupt EYS protein function with a negative predictive value of 80%. In summary, the available evidence is currently insufficient to determine the role of this variant in disease. Therefore, it has been classified as a Variant of Uncertain Significance.

Blueprint Genetics
Classification: Uncertain significance. Last evaluated: 2024-04-12. Review status: criteria provided, single submitter. Criteria: ACMG Guidelines, 2015. Collection method: clinical testing. Allele origin: germline.

Ambry Genetics
Classification: Uncertain significance for Inborn genetic diseases. Last evaluated: 2022-12-27. Review status: criteria provided, single submitter. Criteria: Ambry Variant Classification Scheme 2023. Collection method: clinical testing. Allele origin: germline.

Natera, Inc.
Classification: Uncertain significance for Retinitis pigmentosa type 25. Last evaluated: 2021-03-29. Review status: no assertion criteria provided. Collection method: clinical testing. Allele origin: germline. Not counted in ClinVar's aggregate classification.